The following is an entry in ClinVar:

NM_001369.3(DNAH5):c.944_945insAG (p.Leu316fs)

Gene: DNAH5 (dynein axonemal heavy chain 5; minus strand). Cytogenetic location: 5p15.2.
Variant type: Insertion.
Coding change: c.944_945insAG on transcript NM_001369.3 (MANE Select); coding-DNA positions 944 to 945, AG inserted.
Protein change: p.Leu316fs; shifts the reading frame from leucine 316.
Molecular consequence: frameshift variant.
Genome position: GRCh38 VCF-style: chr5-13919206-C-CCT. GRCh37 (hg19) VCF-style: chr5-13919315-C-CCT.
Other names: short protein forms L316fs.
Identifiers: ClinVar variation 5012584 (VCV005012584.1).

ClinVar aggregate classification (germline): Pathogenic (1 of 4 stars; one submission).

Conditions:
Primary ciliary dyskinesia 3. Identifiers: Orphanet 244, MedGen C1837618, MONDO:0012085, OMIM 608644.

Submission:

Myriad Genetics, Inc.
Classification: Pathogenic for Primary ciliary dyskinesia 3. Last evaluated: 2023-12-18. Review status: criteria provided, single submitter. Criteria: Myriad Autosomal Dominant, Autosomal Recessive and X-Linked Classification Criteria (2023). Collection method: clinical testing. Allele origin: unknown.
Comment: NM_001369.2(DNAH5):c.944_945insAG(L316Gfs*10) is expected to be pathogenic in the context of primary ciliary dyskinesia, DNAH5-related. This variant is predicted to lead to an abnormal or absent protein product due to the creation of a premature termination codon in DNAH5, a gene where loss-of-function variants are known to be pathogenic. Please note: this variant was assessed in the context of healthy population screening.